The following is an entry in ClinVar:

NM_000092.5(COL4A4):c.1268del (p.Gly423fs)

Gene: COL4A4 (collagen type IV alpha 4 chain; minus strand). Cytogenetic location: 2q36.3.
Variant type: Deletion.
Coding change: c.1268del on transcript NM_000092.5 (MANE Select); coding-DNA position 1268, one base deleted (G; older notation c.1268delG).
Protein change: p.Gly423fs; shifts the reading frame from glycine 423.
Molecular consequence: frameshift variant.
Genome position (GRCh38, 1-based): chr2:227,094,226, C deleted on the plus strand (G on the coding strand, the reverse complement: COL4A4 is on the minus strand); the first of 2 consecutive C bases (chr2:227,094,226-227,094,227); deleting either gives the same sequence. VCF-style (leftmost placement, unchanged base first): chr2-227094225-AC-A. GRCh37 (hg19) VCF-style: chr2-227958941-AC-A.
Other names: short protein forms G423fs.
Identifiers: ClinVar variation 1725880 (VCV001725880.2), dbSNP rs2475254533, ClinGen allele CA2580065824.
Genomic context (GRCh38, chr2:227,094,225, plus strand): 5'-CAAGCCAGGTGATCCTGGCTTCCCTGGTTTTCCTGGAGCAGAATCAGGTCTCCCAGGAAT[AC>A]CAGCTTCTCCTGGAAGCCCAGGAAGACCAGGAAATCCTTGTGGCCCAGGGGGTCCTATCA-3'

ClinVar aggregate classification (germline): Likely pathogenic (1 of 4 stars; one submission).

Conditions:
Autosomal recessive Alport syndrome (ATS2). Also called: Alport syndrome type 2; COL4A4 Alport Syndrome and Thin Basement Membrane Nephropathy; ALPORT SYNDROME 2, AUTOSOMAL RECESSIVE; COL4A3-Related Nephropathy. Identifiers: Orphanet 63, Orphanet 88919, MedGen C4746745, MONDO:0008762, OMIM 203780.

Submission:

Myriad Genetics, Inc.
Classification: Likely pathogenic for Autosomal recessive Alport syndrome. Last evaluated: 2022-04-04. Review status: criteria provided, single submitter. Criteria: Myriad Women's Health Autosomal Recessive and X-Linked Classification Criteria (2021). Collection method: clinical testing. Allele origin: unknown.
Comment: NM_000092.4(COL4A4):c.1268delG(G423Vfs*35) is expected to be pathogenic in the context of COL4A4-related Alport syndrome. This variant is predicted to lead to an abnormal or absent protein product due to the creation of a premature termination codon in COL4A4, a gene where loss-of-function variants are known to be pathogenic. Please note: this variant was assessed in the context of healthy population screening.